The following is an entry in ClinVar:

ClinVar aggregate classification (germline): Likely benign (1 of 4 stars; one submission).

Conditions:
RIPK4-related disorder. Also called: RIPK4-related condition.

gnomAD v4.1: 125 of 1,613,298 alleles (0.0077%); highest among the groups gnomAD compares: Middle Eastern, 0.12%; no homozygotes.

Submission:

PreventionGenetics, part of Exact Sciences
Classification: Likely benign for RIPK4-related condition. Last evaluated: 2024-11-10. Review status: criteria provided, single submitter. Criteria: ACMG Guidelines, 2015. Collection method: clinical testing. Allele origin: germline.
Comment: This variant is classified as likely benign based on ACMG/AMP sequence variant interpretation guidelines (Richards et al. 2015 PMID: 25741868, with internal and published modifications).

NM_020639.3(RIPK4):c.1116G>A (p.Ser372=)

Gene: RIPK4 (receptor interacting serine/threonine kinase 4; minus strand). Cytogenetic location: 21q22.3.
Variant type: single nucleotide variant.
Coding change: c.1116G>A on transcript NM_020639.3 (MANE Select); coding-DNA position 1116, G replaced by A.
Protein change: p.Ser372=; no amino-acid change (serine 372 retained).
Molecular consequence: synonymous variant.
Genome position (GRCh38, 1-based): chr21:41,743,961, C>T on the plus strand (G>A on the coding strand, the complement: RIPK4 is on the minus strand). VCF-style: chr21-41743961-C-T. GRCh37 (hg19) VCF-style: chr21-43164121-C-T.
Identifiers: ClinVar variation 4980413 (VCV004980413.1).